The following is an entry in ClinVar:

NM_005267.5(GJA8):c.266C>T (p.Ser89Phe)

Gene: GJA8 (gap junction protein alpha 8; plus strand). Cytogenetic location: 1q21.2.
Variant type: single nucleotide variant.
Coding change: c.266C>T on transcript NM_005267.5 (MANE Select); coding-DNA position 266, C replaced by T.
Protein change: p.Ser89Phe; replaces serine 89 with phenylalanine.
Molecular consequence: missense variant.
Genome position (GRCh38, 1-based): chr1:147,908,221, C>T. VCF-style: chr1-147908221-C-T. GRCh37 (hg19) VCF-style: chr1-147380348-C-T.
Other names: short protein forms S89F.
Identifiers: ClinVar variation 1969778 (VCV001969778.5), dbSNP rs2524889698, ClinGen allele CA342223756.
Genomic context (GRCh38, chr1:147,908,221, plus strand): 5'-CCTTTCCCATCTCCCACATTCGCCTCTGGGTGCTGCAGATCATCTTCGTCTCCACCCCGT[C>T]CCTGATGTACGTGGGGCACGCGGTGCACTACGTCCGCATGGAGGAGAAGCGCAAAAGCCG-3'
Protein context (NP_005258.2, residues 79-99): VLQIIFVSTP[Ser89Phe]LMYVGHAVHY

ClinVar aggregate classification (germline): Uncertain significance (1 of 4 stars; one submission).

Conditions:
Cataract 1 multiple types. Also called: CATARACT, DUFFY-LINKED; CATARACT 1, NUCLEAR PROGRESSIVE; CATARACT 1 WITH MICROCORNEA; CATARACT 1, POSTERIOR SUBCAPSULAR, WITH MICROCORNEA; CATARACT 1, STELLATE NUCLEAR, WITH MICROCORNEA; CATARACT 1, MULTIPLE TYPES, WITH OR WITHOUT MICROCORNEA. Identifiers: Orphanet 1377, MedGen C1861828, MONDO:0007285, OMIM 116200.

Submission:

Labcorp Genetics (formerly Invitae), Labcorp
Classification: Uncertain significance for Cataract 1 multiple types. Last evaluated: 2024-10-29. Review status: criteria provided, single submitter. Criteria: Invitae Variant Classification Sherloc (09022015). Collection method: clinical testing. Allele origin: germline.
Comment: This sequence change replaces serine, which is neutral and polar, with phenylalanine, which is neutral and non-polar, at codon 89 of the GJA8 protein (p.Ser89Phe). This variant is not present in population databases (gnomAD no frequency). This variant has not been reported in the literature in individuals affected with GJA8-related conditions. ClinVar contains an entry for this variant (Variation ID: 1969778). Invitae Evidence Modeling of protein sequence and biophysical properties (such as structural, functional, and spatial information, amino acid conservation, physicochemical variation, residue mobility, and thermodynamic stability) indicates that this missense variant is expected to disrupt GJA8 protein function with a positive predictive value of 95%. In summary, the available evidence is currently insufficient to determine the role of this variant in disease. Therefore, it has been classified as a Variant of Uncertain Significance.